The following is an entry in ClinVar:

ClinVar aggregate classification (germline): Uncertain significance. Review status: reviewed by expert panel (3 of 4 stars). 2 submissions from 2 submitters: Uncertain significance (1). 1 of the submissions does not count toward it. Last evaluated 2025-01-15.

Conditions:
Hereditary thrombocytopenia and hematological cancer predisposition syndrome associated with RUNX1. Also called: Familial Platelet Disorder with Propensity to Acute Myelogenous Leukemia; Familial thrombocytopenia with propensity to acute myelogenous leukemia; PLATELET DISORDER, ASPIRIN-LIKE; RUNX1 Familial Platelet Disorder with Associated Myeloid Malignancies. Identifiers: Orphanet 71290, MedGen C1832388, MeSH C563324, MONDO:0100083, OMIM 601399.
Hereditary thrombocytopenia and hematologic cancer predisposition syndrome. Identifiers: Orphanet 71290, MedGen CN281654, MONDO:0011071.

Allele frequency attached by ClinVar (database versions not stated): gnomAD exomes below 0.00001.
gnomAD v4.1: 2 of 1,613,130 alleles (0.00012%); highest among the groups gnomAD compares: Non-Finnish European, 0.00017%; no homozygotes.

Submissions (2):

ClinGen Myeloid Malignancy Variant Curation Expert Panel
Classification: Uncertain significance for Hereditary thrombocytopenia and hematologic cancer predisposition syndrome. Last evaluated: 2025-01-15. Review status: reviewed by expert panel. Criteria: ClinGen MyeloMalig ACMG Specifications v2. Collection method: curation. Allele origin: germline. Inheritance: Autosomal dominant inheritance.
Comment: NM_001754.5(RUNX1):c.734C>T (p.Pro245Leu) is a missense variant which is completely absent from all population databases with at least 20x coverage for RUNX1 (PM2_Supporting). In summary, the clinical significance of this variant is uncertain. ACMG/AMP criteria applied, as specified by the Myeloid Malignancy Variant Curation Expert Panel for RUNX1: PM2_supporting.

Labcorp Genetics (formerly Invitae), Labcorp
Classification: Uncertain significance for Hereditary thrombocytopenia and hematological cancer predisposition syndrome associated with RUNX1. Last evaluated: 2022-10-29. Review status: criteria provided, single submitter. Criteria: Invitae Variant Classification Sherloc (09022015). Collection method: clinical testing. Allele origin: germline. Not counted in ClinVar's aggregate classification.
Comment: In summary, the available evidence is currently insufficient to determine the role of this variant in disease. Therefore, it has been classified as a Variant of Uncertain Significance. Advanced modeling of protein sequence and biophysical properties (such as structural, functional, and spatial information, amino acid conservation, physicochemical variation, residue mobility, and thermodynamic stability) performed at Invitae indicates that this missense variant is not expected to disrupt RUNX1 protein function. This variant has not been reported in the literature in individuals affected with RUNX1-related conditions. This variant is not present in population databases (gnomAD no frequency). This sequence change replaces proline, which is neutral and non-polar, with leucine, which is neutral and non-polar, at codon 245 of the RUNX1 protein (p.Pro245Leu).

NM_001754.5(RUNX1):c.734C>T (p.Pro245Leu)

Gene: RUNX1 (RUNX family transcription factor 1; minus strand). Cytogenetic location: 21q22.12.
Variant type: single nucleotide variant.
Coding change: c.734C>T on transcript NM_001754.5 (MANE Select); coding-DNA position 734, C replaced by T.
Protein change: p.Pro245Leu; replaces proline 245 with leucine.
Molecular consequence: missense variant.
Genome position (GRCh38, 1-based): chr21:34,834,481, G>A on the plus strand (C>T on the coding strand, the complement: RUNX1 is on the minus strand). VCF-style: chr21-34834481-G-A. GRCh37 (hg19) VCF-style: chr21-36206778-G-A.
Other names: NM_001754.5(RUNX1):c.734C>T; p.Pro245Leu; c.653C>T, p.Pro218Leu (NM_001001890.3, NM_001122607.2); short protein forms P218L, P245L.
Identifiers: ClinVar variation 2810497 (VCV002810497.4), dbSNP rs1048311302, ClinGen allele CA320603662.